The following is an entry in ClinVar:

NM_015662.3(IFT172):c.2294A>G (p.Asp765Gly)

Gene: IFT172 (intraflagellar transport 172; minus strand). Cytogenetic location: 2p23.3.
Variant type: single nucleotide variant.
Coding change: c.2294A>G on transcript NM_015662.3 (MANE Select); coding-DNA position 2294, A replaced by G.
Protein change: p.Asp765Gly; replaces aspartic acid 765 with glycine.
Molecular consequence: missense variant.
Genome position (GRCh38, 1-based): chr2:27,461,417, T>C on the plus strand (A>G on the coding strand, the complement: IFT172 is on the minus strand). VCF-style: chr2-27461417-T-C. GRCh37 (hg19) VCF-style: chr2-27684284-T-C.
Other names: c.2294A>G (NM_015662.2); c.2228A>G, p.Asp743Gly (NM_001410739.1); short protein forms D743G, D765G.
Identifiers: ClinVar variation 2936609 (VCV002936609.4), dbSNP rs2465878395, ClinGen allele CA346384469.
Genomic context (GRCh38, chr2:27,461,417, plus strand): 5'-AGCCGAGCAGCTTTGGCAGGGAGCCCAGCTTTGAGGTAGAGGCTGATGGCTGCTAGCCCA[T>C]CCCCTTGGCTCTCCTGTAGTTCACCTGCTCGCTCCTCTTGCTGTGTGTCCATCAGCCACT-3'
Protein context (NP_056477.1, residues 755-775): RAGELQESQG[Asp765Gly]GLAAISLYLK

ClinVar aggregate classification (germline): Uncertain significance. Review status: criteria provided, multiple submitters, no conflicts (2 of 4 stars). 2 submissions from 2 submitters: Uncertain significance (2). Last evaluated 2026-07-29.

Conditions:
IFT172-related disorder. Also called: IFT172-related condition; IFT172-related disorders.
Short-rib thoracic dysplasia 10 with or without polydactyly (SRTD10). Identifiers: Orphanet 474, MedGen C3810175, MONDO:0014284, OMIM 615630.
Retinitis pigmentosa 71 (RP71). Identifiers: Orphanet 791, MedGen C4225342, MONDO:0014618, OMIM 616394.

Submissions (2):

PreventionGenetics, part of Exact Sciences
Classification: Uncertain significance for IFT172-related condition. Last evaluated: 2026-07-29. Review status: criteria provided, single submitter. Criteria: ACMG Guidelines, 2015. Collection method: clinical testing. Allele origin: germline.
Comment: The IFT172 c.2294A>G variant is predicted to result in the amino acid substitution p.Asp765Gly. To our knowledge, this variant has not been reported in the literature or in a large population database (gnomAD), indicating this variant is rare. At this time, the clinical significance of this variant is uncertain due to the absence of conclusive functional and genetic evidence.

Labcorp Genetics (formerly Invitae), Labcorp
Classification: Uncertain significance for Retinitis pigmentosa 71; Short-rib thoracic dysplasia 10 with or without polydactyly. Last evaluated: 2023-07-09. Review status: criteria provided, single submitter. Criteria: Invitae Variant Classification Sherloc (09022015). Collection method: clinical testing. Allele origin: germline.
Comment: Advanced modeling of protein sequence and biophysical properties (such as structural, functional, and spatial information, amino acid conservation, physicochemical variation, residue mobility, and thermodynamic stability) performed at Invitae indicates that this missense variant is expected to disrupt IFT172 protein function. In summary, the available evidence is currently insufficient to determine the role of this variant in disease. Therefore, it has been classified as a Variant of Uncertain Significance. Algorithms developed to predict the effect of sequence changes on RNA splicing suggest that this variant may create or strengthen a splice site. This variant has not been reported in the literature in individuals affected with IFT172-related conditions. This variant is not present in population databases (gnomAD no frequency). This sequence change replaces aspartic acid, which is acidic and polar, with glycine, which is neutral and non-polar, at codon 765 of the IFT172 protein (p.Asp765Gly).